The following is an entry in ClinVar:

ClinVar aggregate classification (germline): Pathogenic/Likely pathogenic. Review status: criteria provided, multiple submitters, no conflicts (2 of 4 stars). 11 submissions from 9 submitters: Pathogenic (6); Likely pathogenic (3). 2 of the submissions do not count toward it. Last evaluated 2025-09-08.

Conditions:
Usher syndrome. Also called: Usher Syndromes; Usher's syndrome. Identifiers: Orphanet 886, MedGen CN469326, MeSH D052245, MONDO:0019501. Disease mechanism: loss of function.
Retinitis pigmentosa 39 (RP39). Identifiers: Orphanet 791, MedGen C3151138, MONDO:0013436, OMIM 613809.
Usher syndrome type 2A. Also called: RETINAL DISEASE IN USHER SYNDROME TYPE IIA, MODIFIER OF; USHER SYNDROME, TYPE IIA. Identifiers: Orphanet 231178, Orphanet 886, MedGen C1848634, MONDO:0010169, OMIM 276901.
Retinitis pigmentosa (RP). Identifiers: Orphanet 791, MedGen C0035334, MeSH D012174, MONDO:0019200, OMIM 268000. Inheritance: Autosomal dominant, autosomal recessive and X linked inheritance.
USH2A-related disorder. Also called: USH2A-related condition; USH2A-related disorders. Identifiers: MedGen CN239332.

Submissions (11):

Labcorp Genetics (formerly Invitae), Labcorp
Classification: Pathogenic. Last evaluated: 2025-09-08. Review status: criteria provided, single submitter. Criteria: Invitae Variant Classification Sherloc (09022015). Collection method: clinical testing. Allele origin: germline.
Comment: This sequence change creates a premature translational stop signal (p.His3287Profs*54) in the USH2A gene. It is expected to result in an absent or disrupted protein product. Loss-of-function variants in USH2A are known to be pathogenic (PMID: 10729113, 10909849, 20507924, 25649381). This variant is present in population databases (no rsID available, gnomAD 0.003%). This premature translational stop signal has been observed in individual(s) with Usher syndrome (PMID: 28041643). ClinVar contains an entry for this variant (Variation ID: 438035). For these reasons, this variant has been classified as Pathogenic.

Natera, Inc.
Classification: Pathogenic for Usher syndrome type 2A. Last evaluated: 2025-03-25. Review status: criteria provided, single submitter. Criteria: Natera Variant Classification Schema (03/2026). Collection method: clinical testing. Allele origin: germline.
Comment: The c.9860_9873del variant in USH2A is a frameshift variant predicted to shift the reading frame beginning at codon 3287 and leads to a stop codon 54 codons downstream. This variant is expected to result in nonsense mediated decay, truncation, or a dysfunctional protein product. This variant is rare in the general population with a frequency below the threshold expected for the associated phenotype(s). This variant has been observed in one or more individuals affected with the associated recessive disease, as either homozygous or compound heterozygous with a second variant (PMID: 39560289). Given the available evidence, this variant is classified as Pathogenic.

Fulgent Genetics
Classification: Likely pathogenic for Usher syndrome type 2A; Retinitis pigmentosa 39. Last evaluated: 2024-04-04. Review status: criteria provided, single submitter. Criteria: ACMG Guidelines, 2015. Collection method: clinical testing. Allele origin: germline.

Baylor Genetics
Classification: Pathogenic for Retinitis pigmentosa 39. Last evaluated: 2024-02-29. Review status: criteria provided, single submitter. Criteria: ACMG Guidelines, 2015. Collection method: clinical testing. Allele origin: unknown.

Genome-Nilou Lab
Classification: Likely pathogenic for Retinitis pigmentosa 39. Last evaluated: 2023-11-04. Review status: criteria provided, single submitter. Criteria: ACMG Guidelines, 2015. Collection method: clinical testing. Allele origin: germline. Affected: no.

Genome-Nilou Lab
Classification: Likely pathogenic for Usher syndrome type 2A. Last evaluated: 2023-11-04. Review status: criteria provided, single submitter. Criteria: ACMG Guidelines, 2015. Collection method: clinical testing. Allele origin: germline. Affected: no.

SN ONGC Dept of Genetics and Molecular biology Vision Research Foundation
Classification: Pathogenic for Usher syndrome. Last evaluated: 2022-12-31. Review status: criteria provided, single submitter. Criteria: ACMG Guidelines, 2015. Collection method: research. Allele origin: unknown. Affected: yes. Observed: 2 variant alleles, 1 compound heterozygote, 1 homozygote.

Blueprint Genetics
Classification: Pathogenic for USH2A-related disorders. Last evaluated: 2022-01-03. Review status: criteria provided, single submitter. Criteria: ACMG Guidelines, 2015. Collection method: clinical testing. Allele origin: germline. Affected: yes. Observed: 1 variant allele.

Neuberg Centre For Genomic Medicine, NCGM
Classification: Pathogenic for Usher syndrome type 2A. Review status: criteria provided, single submitter. Criteria: ACMG Guidelines, 2015. Collection method: clinical testing. Allele origin: germline. Inheritance: Autosomal recessive inheritance. Affected: yes.

NIHR Bioresource Rare Diseases, University of Cambridge
Classification: Uncertain significance for Retinitis pigmentosa. Last evaluated: 2015-01-01. Review status: flagged submission. Collection method: research. Allele origin: unknown. Affected: yes. Observed: 1 variant allele. Not counted in ClinVar's aggregate classification.
ClinVar note: Reason: Older and outlier claim with insufficient supporting evidence

NIHR Bioresource Rare Diseases, University of Cambridge
Classification: Uncertain significance for Usher syndrome, type 2D. Last evaluated: 2015-01-01. Review status: flagged submission. Collection method: research. Allele origin: unknown. Affected: yes. Observed: 1 variant allele. Not counted in ClinVar's aggregate classification.
ClinVar note: Reason: Older and outlier claim with insufficient supporting evidence

Literature cited by the submitters: PubMed 10729113 (cited by Labcorp Genetics (formerly Invitae), Labcorp); PubMed 10909849 (cited by Labcorp Genetics (formerly Invitae), Labcorp); PubMed 20507924 (cited by Labcorp Genetics (formerly Invitae), Labcorp); PubMed 25649381 (cited by Labcorp Genetics (formerly Invitae), Labcorp); PubMed 28041643 (cited by Labcorp Genetics (formerly Invitae), Labcorp and NIHR Bioresource Rare Diseases, University of Cambridge); PubMed 39560289 (cited by Natera, Inc.).

NM_206933.4(USH2A):c.9860_9873del (p.His3287fs)

Gene: USH2A (usherin; minus strand). Cytogenetic location: 1q41.
Variant type: Deletion.
Coding change: c.9860_9873del on transcript NM_206933.4 (MANE Select); coding-DNA positions 9860 to 9873, 14 bases deleted (ATGATGGCCATGGC).
Protein change: p.His3287fs; shifts the reading frame from histidine 3287.
Molecular consequence: frameshift variant.
Genome position (GRCh38, 1-based): chr1:215,798,992-215,799,005, GCCATGGCCATCAT deleted on the plus strand (ATGATGGCCATGGC on the coding strand, the reverse complement: USH2A is on the minus strand); deleting any 14 consecutive bases within chr1:215,798,992-215,799,006 gives the same sequence; the c. name uses the placement nearest the transcript's 3' end. VCF-style (leftmost placement, unchanged base first): chr1-215798991-GGCCATGGCCATCAT-G. GRCh37 (hg19) VCF-style: chr1-215972333-GGCCATGGCCATCAT-G.
Other names: c.9860_9873del (NM_206933.2, NM_206933.3); short protein forms H3287fs.
Identifiers: ClinVar variation 438035 (VCV000438035.42), dbSNP rs1388040238, ClinGen allele CA529002310.
Genomic context (GRCh38, chr1:215,798,991, plus strand): 5'-CTTCTTCTCCACCACAACACTCTAAATCGTTGCTCACAATCTGTCTGCCACAGCACTTCT[GGCCATGGCCATCAT>G]GAAGCCTCCCAGCACAGCAAATCTGGTTTCCTGAGGTGGAGTACGGCATTCTGCCACAGC-3'